The following is an entry in ClinVar:

NM_000324.3(RHAG):c.861G>A (p.Ala287=)

Gene: RHAG (Rh associated glycoprotein; minus strand). Cytogenetic location: 6p12.3.
Variant type: single nucleotide variant.
Coding change: c.861G>A on transcript NM_000324.3 (MANE Select); coding-DNA position 861, G replaced by A.
Protein change: p.Ala287=; no amino-acid change (alanine 287 retained).
Molecular consequence: synonymous variant.
Genome position (GRCh38, 1-based): chr6:49,612,481, C>T on the plus strand (G>A on the coding strand, the complement: RHAG is on the minus strand). VCF-style: chr6-49612481-C-T. GRCh37 (hg19) VCF-style: chr6-49580194-C-T.
Other names: p.Ala287=.
Identifiers: ClinVar variation 1542694 (VCV001542694.10), dbSNP rs10485291, ClinGen allele CA3847799.

ClinVar aggregate classification (germline): Benign/Likely benign. Review status: criteria provided, multiple submitters, no conflicts (2 of 4 stars). 3 submissions from 3 submitters: Benign (1); Likely benign (2). Last evaluated 2026-02-03.

Allele frequency attached by ClinVar (database versions not stated): gnomAD exomes 0.03216 and 0.04212; gnomAD 0.04012 and 0.04217; ESP Exome Variant Server 0.04067; ExAC 0.04351; TOPMed 0.04378; 1000 Genomes Project 30x 0.06839; 1000 Genomes Project 0.07029.
gnomAD v4.1: 53,633 of 1,613,844 alleles (3.3%); highest among the groups gnomAD compares: South Asian, 9.7%; 1,349 homozygotes.

Submissions (3):

Labcorp Genetics (formerly Invitae), Labcorp
Classification: Benign. Last evaluated: 2026-02-03. Review status: criteria provided, single submitter. Criteria: Invitae Variant Classification Sherloc (09022015). Collection method: clinical testing. Allele origin: germline.

Mayo Clinic Laboratories, Mayo Clinic
Classification: Likely benign. Last evaluated: 2025-05-27. Review status: criteria provided, single submitter. Criteria: ACMG Guidelines, 2015. Collection method: clinical testing. Allele origin: germline. Observed: 186 variant alleles.
Comment: BP4, BP7

Blueprint Genetics
Classification: Likely benign. Last evaluated: 2024-11-26. Review status: criteria provided, single submitter. Criteria: ACMG Guidelines, 2015. Collection method: clinical testing. Allele origin: germline.